The following is an entry in ClinVar:

ClinVar aggregate classification (germline): Likely benign. Review status: criteria provided, multiple submitters, no conflicts (2 of 4 stars). 2 submissions from 2 submitters: Likely benign (2). Last evaluated 2026-05-01.

Conditions:
Nephronophthisis 16 (NPHP16). Identifiers: Orphanet 655, MedGen C3809320, MONDO:0014158, OMIM 615382.

gnomAD v4.1: 11 of 1,613,770 alleles (0.00068%); highest among the groups gnomAD compares: African/African-American, 0.0013%; no homozygotes.

Submissions (2):

CeGaT Center for Human Genetics Tuebingen
Classification: Likely benign. Last evaluated: 2026-05-01. Review status: criteria provided, single submitter. Criteria: CeGaT Center For Human Genetics Tuebingen Variant Classification Criteria Version 2. Collection method: clinical testing. Allele origin: germline. Affected: yes. Observed: 1 variant allele.
Comment: ANKS6: BP4, BP7

Labcorp Genetics (formerly Invitae), Labcorp
Classification: Likely benign for Nephronophthisis 16. Last evaluated: 2025-12-24. Review status: criteria provided, single submitter. Criteria: Invitae Variant Classification Sherloc (09022015). Collection method: clinical testing. Allele origin: germline.

NM_173551.5(ANKS6):c.504C>T (p.Ala168=)

Gene: ANKS6 (ankyrin repeat and sterile alpha motif domain containing 6; minus strand). Cytogenetic location: 9q22.33.
Variant type: single nucleotide variant.
Coding change: c.504C>T on transcript NM_173551.5 (MANE Select); coding-DNA position 504, C replaced by T.
Protein change: p.Ala168=; no amino-acid change (alanine 168 retained).
Molecular consequence: synonymous variant.
Genome position (GRCh38, 1-based): chr9:98,790,462, G>A on the plus strand (C>T on the coding strand, the complement: ANKS6 is on the minus strand). VCF-style: chr9-98790462-G-A. GRCh37 (hg19) VCF-style: chr9-101552744-G-A.
Identifiers: ClinVar variation 4744445 (VCV004744445.3).